The following is an entry in ClinVar:

ClinVar aggregate classification (germline): Likely benign. Review status: criteria provided, multiple submitters, no conflicts (2 of 4 stars). 4 submissions from 4 submitters: Likely benign (4). Last evaluated 2025-12-01.

Conditions:
Long QT syndrome (LQTS). Identifiers: MedGen C0023976, MeSH D008133, MONDO:0002442. Disease mechanism: loss of function. Inheritance: Various modes of inheritance.
Cardiovascular phenotype. Identifiers: MedGen CN230736.
Cardiac arrhythmia. Also called: Arrhythmia; Cardiac rhythm disease. Identifiers: MedGen C0003811, MONDO:0007263, HP:0011675.

Allele frequency attached by ClinVar (database versions not stated): TOPMed 0.00002; gnomAD 0.00003; ExAC 0.00007.
gnomAD v4.1: 54 of 1,614,046 alleles (0.0033%); highest among the groups gnomAD compares: South Asian, 0.042%; no homozygotes.

Submissions (4):

Labcorp Genetics (formerly Invitae), Labcorp
Classification: Likely benign for Long QT syndrome. Last evaluated: 2025-12-01. Review status: criteria provided, single submitter. Criteria: Invitae Variant Classification Sherloc (09022015). Collection method: clinical testing. Allele origin: germline.

All of Us Research Program, National Institutes of Health
Classification: Likely benign for Long QT syndrome. Last evaluated: 2023-09-17. Review status: criteria provided, single submitter. Criteria: ACMG Guidelines, 2015. Collection method: clinical testing. Allele origin: germline. Inheritance: Autosomal dominant inheritance. Observed: 3 variant alleles, 3 heterozygotes.
Comment: This study involves interpretation of variants in research participants for the purpose of population health screening. Participant phenotype was not available at the time of variant classification. Additional details can be found in publication PMID: 35346344, PMCID: PMC8962531

Ambry Genetics
Classification: Likely benign for Cardiovascular phenotype. Last evaluated: 2019-09-03. Review status: criteria provided, single submitter. Criteria: Ambry Variant Classification Scheme 2023. Collection method: clinical testing. Allele origin: germline.

Color Diagnostics, LLC DBA Color Health
Classification: Likely benign for Arrhythmia. Last evaluated: 2018-10-02. Review status: criteria provided, single submitter. Criteria: ACMG Guidelines, 2015. Collection method: clinical testing. Allele origin: germline.

NM_000238.4(KCNH2):c.2457C>T (p.Asn819=)

Gene: KCNH2 (potassium voltage-gated channel subfamily H member 2; minus strand). Cytogenetic location: 7q36.1.
Variant type: single nucleotide variant.
Coding change: c.2457C>T on transcript NM_000238.4 (MANE Select); coding-DNA position 2457, C replaced by T.
Protein change: p.Asn819=; no amino-acid change (asparagine 819 retained).
Molecular consequence: synonymous variant.
Genome position (GRCh38, 1-based): chr7:150,948,991, G>A on the plus strand (C>T on the coding strand, the complement: KCNH2 is on the minus strand). VCF-style: chr7-150948991-G-A. GRCh37 (hg19) VCF-style: chr7-150646079-G-A.
Other names: c.1437C>T, p.Asn479= (NM_172057.3).
Identifiers: ClinVar variation 629430 (VCV000629430.18), dbSNP rs768725008, ClinGen allele CA032843.